The following is an entry in ClinVar:

NM_014727.3(KMT2B):c.7298-3C>T

Gene: KMT2B (lysine methyltransferase 2B; plus strand). Cytogenetic location: 19q13.12.
Variant type: single nucleotide variant.
Coding change: c.7298-3C>T on transcript NM_014727.3 (MANE Select); 3 bases into the intron before coding-DNA position 7298, C replaced by T.
Molecular consequence: intron variant.
Genome position (GRCh38, 1-based): chr19:35,736,909, C>T. VCF-style: chr19-35736909-C-T. GRCh37 (hg19) VCF-style: chr19-36227810-C-T.
Identifiers: ClinVar variation 1537653 (VCV001537653.9), dbSNP rs552141457, ClinGen allele CA9385928.

ClinVar aggregate classification (germline): Benign. Review status: criteria provided, multiple submitters, no conflicts (2 of 4 stars). 2 submissions from 2 submitters: Benign (2). Last evaluated 2026-08-01.

Allele frequency attached by ClinVar (database versions not stated): gnomAD 0.00001 and 0.00043; TOPMed 0.00011; gnomAD exomes 0.00069 and 0.00147; ExAC 0.00171; 1000 Genomes Project 30x 0.00406; 1000 Genomes Project 0.00419.

Submissions (2):

CeGaT Center for Human Genetics Tuebingen
Classification: Benign. Last evaluated: 2026-08-01. Review status: criteria provided, single submitter. Criteria: CeGaT Center For Human Genetics Tuebingen Variant Classification Criteria Version 2. Collection method: clinical testing. Allele origin: germline. Affected: yes. Observed: 1 variant allele.
Comment: KMT2B: BP4, BS1, BS2

Labcorp Genetics (formerly Invitae), Labcorp
Classification: Benign. Last evaluated: 2025-11-07. Review status: criteria provided, single submitter. Criteria: Invitae Variant Classification Sherloc (09022015). Collection method: clinical testing. Allele origin: germline.